The following is an entry in ClinVar:

ClinVar aggregate classification (germline): Uncertain significance (1 of 4 stars; one submission).

Allele frequency attached by ClinVar (database versions not stated): gnomAD exomes 0.00001; TOPMed 0.00001; gnomAD 0.00002.
gnomAD v4.1: 15 of 1,614,004 alleles (0.00093%); highest among the groups gnomAD compares: Admixed American, 0.0033%; no homozygotes.

Submission:

Labcorp Genetics (formerly Invitae), Labcorp
Classification: Uncertain significance. Last evaluated: 2022-03-28. Review status: criteria provided, single submitter. Criteria: Invitae Variant Classification Sherloc (09022015). Collection method: clinical testing. Allele origin: germline.
Comment: This variant has not been reported in the literature in individuals affected with HPSE2-related conditions. In summary, the available evidence is currently insufficient to determine the role of this variant in disease. Therefore, it has been classified as a Variant of Uncertain Significance. Algorithms developed to predict the effect of missense changes on protein structure and function are either unavailable or do not agree on the potential impact of this missense change (SIFT: "Deleterious"; PolyPhen-2: "Possibly Damaging"; Align-GVGD: "Class C0"). This variant is present in population databases (no rsID available, gnomAD 0.004%). This sequence change replaces serine, which is neutral and polar, with cysteine, which is neutral and slightly polar, at codon 217 of the HPSE2 protein (p.Ser217Cys).

NM_021828.5(HPSE2):c.650C>G (p.Ser217Cys)

Gene: HPSE2 (heparanase 2 (inactive); minus strand). Cytogenetic location: 10q24.2.
Variant type: single nucleotide variant.
Coding change: c.650C>G on transcript NM_021828.5 (MANE Select); coding-DNA position 650, C replaced by G.
Protein change: p.Ser217Cys; replaces serine 217 with cysteine.
Molecular consequence: missense variant. On other transcripts: intron variant (2).
Genome position (GRCh38, 1-based): chr10:98,744,017, G>C on the plus strand (C>G on the coding strand, the complement: HPSE2 is on the minus strand). VCF-style: chr10-98744017-G-C. GRCh37 (hg19) VCF-style: chr10-100503774-G-C.
Other names: c.650C>G, p.Ser217Cys (NM_001166246.1); c.449-22189C>G (NM_001166245.1); c.611-22189C>G (NM_001166244.1); short protein forms S217C.
Identifiers: ClinVar variation 1976945 (VCV001976945.5), dbSNP rs1256665593, ClinGen allele CA378248303.
Genomic context (GRCh38, chr10:98,744,017, plus strand): 5'-TTCCAGGAGTTATTGGGATTACGACGCAGTGCATTTAGAGCAAATATCAGGTGGAGTCCA[G>C]AGCAATCAGCAAAGTTATAAAGTTTGTCTAGAGACCTGGCTGGGAAGAAGCAGAGAAAGG-3'
Protein context (NP_068600.4, residues 207-227): LDKLYNFADC[Ser217Cys]GLHLIFALNA